The following is an entry in ClinVar:

ClinVar aggregate classification (germline): Benign (0 of 4 stars; one submission).

Conditions:
HELQ-related disorder. Also called: HELQ-related condition.

Allele frequency attached by ClinVar (database versions not stated): gnomAD exomes 0.51667; ExAC 0.56230; ESP Exome Variant Server 0.59442; gnomAD 0.59575; TOPMed 0.60486; 1000 Genomes Project 0.66454; 1000 Genomes Project 30x 0.66974.
gnomAD v4.1: 845,883 of 1,612,154 alleles (52%); highest among the groups gnomAD compares: African/African-American, 78%; 227,195 homozygotes.

Submission:

PreventionGenetics, part of Exact Sciences
Classification: Benign for HELQ-related condition. Last evaluated: 2019-10-17. Review status: no assertion criteria provided. Collection method: clinical testing. Allele origin: germline.
Comment: This variant is classified as benign based on ACMG/AMP sequence variant interpretation guidelines (Richards et al. 2015 PMID: 25741868, with internal and published modifications).

NM_133636.5(HELQ):c.916G>A (p.Val306Ile)

Gene: HELQ (helicase, POLQ like; minus strand). Cytogenetic location: 4q21.23.
Variant type: single nucleotide variant.
Coding change: c.916G>A on transcript NM_133636.5 (MANE Select); coding-DNA position 916, G replaced by A.
Protein change: p.Val306Ile; replaces valine 306 with isoleucine.
Molecular consequence: missense variant. On other transcripts: 5 prime UTR variant (2), non-coding transcript variant (1).
Genome position (GRCh38, 1-based): chr4:83,453,327, C>T on the plus strand (G>A on the coding strand, the complement: HELQ is on the minus strand). VCF-style: chr4-83453327-C-T. GRCh37 (hg19) VCF-style: chr4-84374480-C-T.
Other names: c.916G>A, p.Val306Ile (NM_001297755.2, NM_001297759.2); c.-589G>A (NM_001297756.2); c.-619G>A (NM_001297757.2); c.805G>A, p.Val269Ile (NM_001297758.2); short protein forms V269I, V306I.
Identifiers: ClinVar variation 3060988 (VCV003060988.2), dbSNP rs1494961, ClinGen allele CA2989900.